The following is an entry in ClinVar:

NM_000057.4(BLM):c.172C>T (p.Pro58Ser)

Gene: BLM (BLM RecQ like helicase; plus strand). Cytogenetic location: 15q26.1.
Variant type: single nucleotide variant.
Coding change: c.172C>T on transcript NM_000057.4 (MANE Select); coding-DNA position 172, C replaced by T.
Protein change: p.Pro58Ser; replaces proline 58 with serine.
Molecular consequence: missense variant. On other transcripts: 5 prime UTR variant (1).
Genome position (GRCh38, 1-based): chr15:90,749,440, C>T. VCF-style: chr15-90749440-C-T. GRCh37 (hg19) VCF-style: chr15-91292670-C-T.
Other names: c.172C>T, p.Pro58Ser (NM_001287246.2, NM_001287247.2); c.-1120C>T (NM_001287248.2); short protein forms P58S.
Identifiers: ClinVar variation 967085 (VCV000967085.10), dbSNP rs1596217837, ClinGen allele CA393839560.

ClinVar aggregate classification (germline): Uncertain significance (1 of 4 stars; one submission).

Conditions:
Bloom syndrome (BLM). Also called: Bloom-Torre-Machacek syndrome. Identifiers: Orphanet 125, MedGen C0005859, MONDO:0008876, OMIM 210900.

Allele frequency attached by ClinVar (database versions not stated): gnomAD exomes below 0.00001.
gnomAD v4.1: 3 of 1,611,768 alleles (0.00019%); highest among the groups gnomAD compares: Non-Finnish European, 0.00025%; no homozygotes.

Submission:

Labcorp Genetics (formerly Invitae), Labcorp
Classification: Uncertain significance for Bloom syndrome. Last evaluated: 2024-07-30. Review status: criteria provided, single submitter. Criteria: Invitae Variant Classification Sherloc (09022015). Collection method: clinical testing. Allele origin: germline.
Comment: This sequence change replaces proline, which is neutral and non-polar, with serine, which is neutral and polar, at codon 58 of the BLM protein (p.Pro58Ser). This variant is not present in population databases (gnomAD no frequency). This variant has not been reported in the literature in individuals affected with BLM-related conditions. ClinVar contains an entry for this variant (Variation ID: 967085). An algorithm developed to predict the effect of missense changes on protein structure and function (PolyPhen-2) suggests that this variant is likely to be tolerated. In summary, the available evidence is currently insufficient to determine the role of this variant in disease. Therefore, it has been classified as a Variant of Uncertain Significance.